The following is an entry in ClinVar:

NM_052813.5(CARD9):c.883C>T (p.Gln295Ter)

Gene: CARD9 (caspase recruitment domain family member 9; minus strand). Cytogenetic location: 9q34.3.
Variant type: single nucleotide variant.
Coding change: c.883C>T on transcript NM_052813.5 (MANE Select); coding-DNA position 883, C replaced by T.
Protein change: p.Gln295Ter; replaces glutamine 295 with a stop codon.
Molecular consequence: nonsense.
Genome position (GRCh38, 1-based): chr9:136,370,362, G>A on the plus strand (C>T on the coding strand, the complement: CARD9 is on the minus strand). VCF-style: chr9-136370362-G-A. GRCh37 (hg19) VCF-style: chr9-139264814-G-A.
Other names: c.883C>T, p.Gln295Ter (NM_052814.4); short protein forms Q295*.
Identifiers: ClinVar variation 3406 (VCV000003406.14), dbSNP rs121918338, ClinGen allele CA116192.
Genomic context (GRCh38, chr9:136,370,362, plus strand): 5'-GTCGGGCCTCGCCCTGGCGGAGGTCCTTGCGCAGGGAGAAGATGGTGTTGGCCTGCTCCT[G>A]GTGGTCCCGCAGCGCCTGCCGCCAGTCCTCCTCCAGTACCTGGATGTAGGGGCTGCTCCT-3'

ClinVar aggregate classification (germline): Pathogenic. Review status: criteria provided, multiple submitters, no conflicts (2 of 4 stars). 4 submissions from 4 submitters: Pathogenic (3). 1 of the submissions does not count toward it. Last evaluated 2025-05-07.

Conditions:
CARD9-related disorder. Also called: CARD9-related condition.
Predisposition to invasive fungal disease due to CARD9 deficiency (IMD103). Also called: IMMUNODEFICIENCY 103, SUSCEPTIBILITY TO FUNGAL INFECTIONS; Candidiasis, familial, 2, autosomal recessive; CARD9 IMMUNODEFICIENCY. Identifiers: Orphanet 457088, MedGen C1859353, MONDO:0008905, OMIM 212050.

Allele frequency attached by ClinVar (database versions not stated): gnomAD below 0.00001 and 0.00001; gnomAD exomes 0.00001; ExAC 0.00003.

Submissions (4):

Next Generation Genetic Polyclinic
Classification: Pathogenic for Predisposition to invasive fungal disease due to CARD9 deficiency. Last evaluated: 2025-05-07. Review status: criteria provided, single submitter. Criteria: ACMG Guidelines, 2015. Collection method: curation. Allele origin: germline. Affected: yes. Observed: 1 variant allele.
Comment: Pathogenic missense variant in the CARD9 gene (NM_052813.5:c.883C>T), identified through curation. This novel germline alteration is homozygous and follows autosomal recessive inheritance. The variant is absent from major population databases such as gnomAD (PM2), and affects a conserved residue crucial for CARD9-mediated immune signaling. While computational evidence supports a deleterious impact (PP3), experimental validation and clinical correlation would further clarify pathogenicity. No prior entries exist in ClinVar or literature. ACMG classification is supported by PM2, PP3, and PP4 (if clinical features align with CARD9 deficiency phenotypes).

Labcorp Genetics (formerly Invitae), Labcorp
Classification: Pathogenic for Predisposition to invasive fungal disease due to CARD9 deficiency. Last evaluated: 2025-03-31. Review status: criteria provided, single submitter. Criteria: Invitae Variant Classification Sherloc (09022015). Collection method: clinical testing. Allele origin: germline.
Comment: This sequence change creates a premature translational stop signal (p.Gln295*) in the CARD9 gene. It is expected to result in an absent or disrupted protein product. Loss-of-function variants in CARD9 are known to be pathogenic (PMID: 19864672, 24131138, 24231284). This variant is present in population databases (rs121918338, gnomAD 0.01%). This premature translational stop signal has been observed in individual(s) with severe and/or recurrent fungal infections (PMID: 19864672, 25702837, 25933095, 27777981, 29307770). ClinVar contains an entry for this variant (Variation ID: 3406). For these reasons, this variant has been classified as Pathogenic.

Blueprint Genetics
Classification: Pathogenic for CARD9-related disorders. Last evaluated: 2024-06-17. Review status: criteria provided, single submitter. Criteria: ACMG Guidelines, 2015. Collection method: clinical testing. Allele origin: germline. Affected: yes. Observed: 5 variant alleles.

OMIM
Classification: risk factor for IMMUNODEFICIENCY 103, SUSCEPTIBILITY TO FUNGAL INFECTIONS. Last evaluated: 2009-10-29. Review status: no assertion criteria provided. Collection method: literature only. Allele origin: germline. Not counted in ClinVar's aggregate classification.

Literature cited by the submitters: PubMed 19864672 (cited by Labcorp Genetics (formerly Invitae), Labcorp and OMIM); PubMed 24131138 (cited by Labcorp Genetics (formerly Invitae), Labcorp); PubMed 24231284 (cited by Labcorp Genetics (formerly Invitae), Labcorp); PubMed 25702837 (cited by Labcorp Genetics (formerly Invitae), Labcorp); PubMed 25933095 (cited by Labcorp Genetics (formerly Invitae), Labcorp); PubMed 27777981 (cited by Labcorp Genetics (formerly Invitae), Labcorp); PubMed 29307770 (cited by Labcorp Genetics (formerly Invitae), Labcorp).